The following is an entry in ClinVar:

NM_001166108.2(PALLD):c.3085T>C (p.Phe1029Leu)

Genes: CBR4 (carbonyl reductase 4; minus strand), PALLD (palladin, cytoskeletal associated protein; plus strand). Cytogenetic location: 4q32.3.
Variant type: single nucleotide variant.
Coding change: c.3085T>C on transcript NM_001166108.2 (MANE Select); coding-DNA position 3085, T replaced by C.
Protein change: p.Phe1029Leu; replaces phenylalanine 1029 with leucine.
Molecular consequence: missense variant.
Genome position (GRCh38, 1-based): chr4:168,924,281, T>C. VCF-style: chr4-168924281-T-C. GRCh37 (hg19) VCF-style: chr4-169845432-T-C.
Other names: c.1888T>C, p.Phe630Leu (NM_001166109.2); c.1573T>C, p.Phe525Leu (NM_001166110.2); c.913T>C, p.Phe305Leu (NM_001367567.1, NM_001367569.1); c.964T>C, p.Phe322Leu (NM_001367568.1, NM_001367570.1); c.3034T>C, p.Phe1012Leu (NM_016081.4); short protein forms F630L, F1012L, F322L, F1029L, F305L, F525L.
Identifiers: ClinVar variation 3413557 (VCV003413557.1).

ClinVar aggregate classification (germline): Uncertain significance (1 of 4 stars; one submission).

Submission:

Ambry Genetics
Classification: Uncertain significance. Last evaluated: 2024-07-28. Review status: criteria provided, single submitter. Criteria: Ambry Variant Classification Scheme 2023. Collection method: clinical testing. Allele origin: germline.
Comment: The p.F1012L variant (also known as c.3034T>C), located in coding exon 17 of the PALLD gene, results from a T to C substitution at nucleotide position 3034. The phenylalanine at codon 1012 is replaced by leucine, an amino acid with highly similar properties. This amino acid position is conserved. In addition, this alteration is predicted to be deleterious by in silico analysis. Based on the available evidence, the clinical significance of this variant remains unclear.